The following is an entry in ClinVar:

NM_001012614.2(CTBP1):c.25A>G (p.Met9Val)

Gene: CTBP1 (C-terminal binding protein 1; minus strand). Cytogenetic location: 4p16.3.
Variant type: single nucleotide variant.
Coding change: c.25A>G on transcript NM_001012614.2 (MANE Select); coding-DNA position 25, A replaced by G.
Protein change: p.Met9Val; replaces methionine 9 with valine.
Molecular consequence: missense variant.
Genome position (GRCh38, 1-based): chr4:1,238,320, T>C on the plus strand (A>G on the coding strand, the complement: CTBP1 is on the minus strand). VCF-style: chr4-1238320-T-C. GRCh37 (hg19) VCF-style: chr4-1232108-T-C.
Other names: c.58A>G, p.Met20Val (NM_001328.3, NM_001377186.1); c.25A>G, p.Met9Val (NM_001377187.1, NM_001377188.1, NM_001377189.1 and 4 more transcripts); short protein forms M20V, M9V.
Identifiers: ClinVar variation 1967146 (VCV001967146.5), dbSNP rs2535200249, ClinGen allele CA355961057.

ClinVar aggregate classification (germline): Uncertain significance (1 of 4 stars; one submission).

Submission:

Labcorp Genetics (formerly Invitae), Labcorp
Classification: Uncertain significance. Last evaluated: 2022-03-12. Review status: criteria provided, single submitter. Criteria: Invitae Variant Classification Sherloc (09022015). Collection method: clinical testing. Allele origin: germline.
Comment: In summary, the available evidence is currently insufficient to determine the role of this variant in disease. Therefore, it has been classified as a Variant of Uncertain Significance. Algorithms developed to predict the effect of missense changes on protein structure and function (SIFT, PolyPhen-2, Align-GVGD) all suggest that this variant is likely to be tolerated. This variant has not been reported in the literature in individuals affected with CTBP1-related conditions. This variant is not present in population databases (gnomAD no frequency). This sequence change replaces methionine, which is neutral and non-polar, with valine, which is neutral and non-polar, at codon 20 of the CTBP1 protein (p.Met20Val).